The following is an entry in ClinVar:

ClinVar aggregate classification (germline): Benign (1 of 4 stars; one submission).

Conditions:
Leukodystrophy, hypomyelinating, 7, with or without oligodontia and/or hypogonadotropic hypogonadism (HLD7). Also called: LEUKOENCEPHALOPATHY, HYPOMYELINATING, WITH ATAXIA AND DELAYED DENTITION; ATAXIA, DELAYED DENTITION, AND HYPOMYELINATION; LEUKODYSTROPHY, HYPOMYELINATING, 7, WITH OLIGODONTIA; LEUKODYSTROPHY, HYPOMYELINATING, 7, WITH OLIGODONTIA AND HYPOGONADOTROPIC HYPOGONADISM; LEUKODYSTROPHY, HYPOMYELINATING, 7, WITHOUT OLIGODONTIA OR HYPOGONADOTROPIC HYPOGONADISM; Ataxia, Delayed Dentition and Hypomyelination (ADDH). Identifiers: Orphanet 137639, Orphanet 447893, Orphanet 447896, Orphanet 77295, Orphanet 88637, MedGen CN034185, MONDO:0011897, OMIM 607694.

Allele frequency attached by ClinVar (database versions not stated): gnomAD 0.00409 and 0.00428; TOPMed 0.00467; 1000 Genomes Project 0.00479; 1000 Genomes Project 30x 0.00578.

Submission:

Illumina Laboratory Services, Illumina
Classification: Benign for Leukodystrophy, hypomyelinating, 7, with or without oligodontia and/or hypogonadotropic hypogonadism. Last evaluated: 2018-01-13. Review status: criteria provided, single submitter. Criteria: ICSL Variant Classification Criteria 13 December 2019. Collection method: clinical testing. Allele origin: germline.
Comment: This variant was observed in the ICSL laboratory as part of a predisposition screen in an ostensibly healthy population. It had not been previously curated by ICSL or reported in the Human Gene Mutation Database (HGMD: prior to June 1st, 2018), and was therefore a candidate for classification through an automated scoring system. Utilizing variant allele frequency, disease prevalence and penetrance estimates, and inheritance mode, an automated score was calculated to assess if this variant is too frequent to cause the disease. Based on the score and internal cut-off values, a variant classified as benign is not then subjected to further curation. The score for this variant resulted in a classification of benign for this disease.

NM_007055.4(POLR3A):c.*994C>T

Gene: POLR3A (RNA polymerase III subunit A; minus strand). Cytogenetic location: 10q22.3.
Variant type: single nucleotide variant.
Coding change: c.*994C>T on transcript NM_007055.4 (MANE Select); 994 bases downstream of the stop codon, C replaced by T.
Molecular consequence: 3 prime UTR variant.
Genome position (GRCh38, 1-based): chr10:77,976,484, G>A on the plus strand (C>T on the coding strand, the complement: POLR3A is on the minus strand). VCF-style: chr10-77976484-G-A. GRCh37 (hg19) VCF-style: chr10-79736242-G-A.
Identifiers: ClinVar variation 877222 (VCV000877222.4), dbSNP rs148339082, ClinGen allele CA210183365.